The following is an entry in ClinVar:

ClinVar aggregate classification (germline): Uncertain significance (1 of 4 stars; one submission).

Conditions:
Charcot-Marie-Tooth disease axonal type 2O. Also called: CHARCOT-MARIE-TOOTH NEUROPATHY, AXONAL, TYPE 2O; CHARCOT-MARIE-TOOTH DISEASE, AXONAL, AUTOSOMAL DOMINANT, TYPE 2O; Charcot-Marie-Tooth Neuropathy Type 2O; Charcot-Marie-Tooth disease, axonal, type 20. Identifiers: Orphanet 284232, MedGen C3280220, MONDO:0013644, OMIM 614228.

Submission:

Labcorp Genetics (formerly Invitae), Labcorp
Classification: Uncertain significance for Charcot-Marie-Tooth disease axonal type 2O. Last evaluated: 2023-11-27. Review status: criteria provided, single submitter. Criteria: Invitae Variant Classification Sherloc (09022015). Collection method: clinical testing. Allele origin: germline.
Comment: This sequence change replaces asparagine, which is neutral and polar, with histidine, which is basic and polar, at codon 694 of the DYNC1H1 protein (p.Asn694His). This variant is not present in population databases (gnomAD no frequency). This variant has not been reported in the literature in individuals affected with DYNC1H1-related conditions. ClinVar contains an entry for this variant (Variation ID: 1391136). Advanced modeling of protein sequence and biophysical properties (such as structural, functional, and spatial information, amino acid conservation, physicochemical variation, residue mobility, and thermodynamic stability) performed at Invitae indicates that this missense variant is expected to disrupt DYNC1H1 protein function with a positive predictive value of 80%. In summary, the available evidence is currently insufficient to determine the role of this variant in disease. Therefore, it has been classified as a Variant of Uncertain Significance.

NM_001376.5(DYNC1H1):c.2080A>C (p.Asn694His)

Gene: DYNC1H1 (dynein cytoplasmic 1 heavy chain 1; plus strand). Cytogenetic location: 14q32.31.
Variant type: single nucleotide variant.
Coding change: c.2080A>C on transcript NM_001376.5 (MANE Select); coding-DNA position 2080, A replaced by C.
Protein change: p.Asn694His; replaces asparagine 694 with histidine.
Molecular consequence: missense variant.
Genome position (GRCh38, 1-based): chr14:101,986,305, A>C. VCF-style: chr14-101986305-A-C. GRCh37 (hg19) VCF-style: chr14-102452642-A-C.
Other names: short protein forms N694H.
Identifiers: ClinVar variation 1391136 (VCV001391136.8), dbSNP rs2141274886, ClinGen allele CA391020702.